The following is an entry in ClinVar:

ClinVar aggregate classification (germline): Uncertain significance. Review status: criteria provided, multiple submitters, no conflicts (2 of 4 stars). 2 submissions from 2 submitters: Uncertain significance (2). Last evaluated 2025-10-14.

Conditions:
Inborn genetic diseases. Identifiers: MedGen C0950123, MeSH D030342.

Allele frequency attached by ClinVar (database versions not stated): gnomAD 0.00001; gnomAD exomes 0.00001; TOPMed 0.00002.
gnomAD v4.1: 10 of 1,613,844 alleles (0.00062%); highest among the groups gnomAD compares: Admixed American, 0.0067%; no homozygotes.

Submissions (2):

Ambry Genetics
Classification: Uncertain significance for Inborn genetic diseases. Last evaluated: 2025-10-14. Review status: criteria provided, single submitter. Criteria: Ambry Variant Classification Scheme 2023. Collection method: clinical testing. Allele origin: germline.
Comment: The p.I621V variant (also known as c.1861A>G), located in coding exon 12 of the CDH2 gene, results from an A to G substitution at nucleotide position 1861. The isoleucine at codon 621 is replaced by valine, an amino acid with highly similar properties. This amino acid position is conserved. In addition, this alteration is predicted to be tolerated by in silico analysis. Since supporting evidence is limited at this time, the clinical significance of this alteration remains unclear.

Labcorp Genetics (formerly Invitae), Labcorp
Classification: Uncertain significance. Last evaluated: 2024-10-09. Review status: criteria provided, single submitter. Criteria: Invitae Variant Classification Sherloc (09022015). Collection method: clinical testing. Allele origin: germline.
Comment: This sequence change replaces isoleucine, which is neutral and non-polar, with valine, which is neutral and non-polar, at codon 621 of the CDH2 protein (p.Ile621Val). This variant is present in population databases (no rsID available, gnomAD 0.003%). This variant has not been reported in the literature in individuals affected with CDH2-related conditions. ClinVar contains an entry for this variant (Variation ID: 1435805). An algorithm developed to predict the effect of missense changes on protein structure and function (PolyPhen-2) suggests that this variant is likely to be tolerated. In summary, the available evidence is currently insufficient to determine the role of this variant in disease. Therefore, it has been classified as a Variant of Uncertain Significance.

NM_001792.5(CDH2):c.1861A>G (p.Ile621Val)

Gene: CDH2 (cadherin 2; minus strand). Cytogenetic location: 18q12.1.
Variant type: single nucleotide variant.
Coding change: c.1861A>G on transcript NM_001792.5 (MANE Select); coding-DNA position 1861, A replaced by G.
Protein change: p.Ile621Val; replaces isoleucine 621 with valine.
Molecular consequence: missense variant.
Genome position (GRCh38, 1-based): chr18:27,985,642, T>C on the plus strand (A>G on the coding strand, the complement: CDH2 is on the minus strand). VCF-style: chr18-27985642-T-C. GRCh37 (hg19) VCF-style: chr18-25565606-T-C.
Other names: c.1861A>G (NM_001792.3); c.1768A>G, p.Ile590Val (NM_001308176.2); short protein forms I590V, I621V.
Identifiers: ClinVar variation 1435805 (VCV001435805.11), dbSNP rs928874934, ClinGen allele CA297680149.
Genomic context (GRCh38, chr18:27,985,642, plus strand): 5'-GATCAAAAGCAAATGGTCCAGCATTTGGATCAATGTCATAATCAAGTGCTGTAATATTAA[T>C]TGAATTGGGGTCTGGAGTTTCGCAAGTCTCTGCCTCTTGAGGTAACACTTGAGGGGCATT-3'
Protein context (NP_001783.2, residues 611-631): ETCETPDPNS[Ile621Val]NITALDYDID